The following is an entry in ClinVar:

NM_020208.4(SLC6A20):c.-102C>A

Gene: SLC6A20 (solute carrier family 6 member 20; minus strand). Cytogenetic location: 3p21.31.
Variant type: single nucleotide variant.
Coding change: c.-102C>A on transcript NM_020208.4 (MANE Select); 102 bases upstream of the start codon, C replaced by A.
Molecular consequence: 5 prime UTR variant.
Genome position (GRCh38, 1-based): chr3:45,796,521, G>T on the plus strand (C>A on the coding strand, the complement: SLC6A20 is on the minus strand). VCF-style: chr3-45796521-G-T. GRCh37 (hg19) VCF-style: chr3-45838013-G-T.
Other names: c.-102C>A (NM_022405.4).
Identifiers: ClinVar variation 345434 (VCV000345434.9), dbSNP rs2271616, ClinGen allele CA10616010.

ClinVar aggregate classification (germline): Benign. Review status: criteria provided, multiple submitters, no conflicts (2 of 4 stars). 3 submissions from 3 submitters: Benign (3). Last evaluated 2021-05-15.

Conditions:
Hyperglycinuria. Also called: GLYCINURIA WITH OR WITHOUT OXALATE NEPHROLITHIASIS; GLYCINURIA WITH OR WITHOUT OXALATE UROLITHIASIS; IMINOGLYCINURIA TYPE II. Identifiers: MedGen C0543541, MONDO:0007677, OMIM 138500, HP:0003108.

Allele frequency attached by ClinVar (database versions not stated): 1000 Genomes Project 0.08087; 1000 Genomes Project 30x 0.08089; gnomAD 0.08176; TOPMed 0.09680.

Submissions (3):

GeneDx
Classification: Benign. Last evaluated: 2021-05-15. Review status: criteria provided, single submitter. Criteria: GeneDx Variant Classification Process June 2021. Collection method: clinical testing. Allele origin: germline. Affected: yes.

Illumina Laboratory Services, Illumina
Classification: Benign for Hyperglycinuria. Last evaluated: 2018-01-13. Review status: criteria provided, single submitter. Criteria: ICSL Variant Classification Criteria 13 December 2019. Collection method: clinical testing. Allele origin: germline.
Comment: This variant was observed in the ICSL laboratory as part of a predisposition screen in an ostensibly healthy population. It had not been previously curated by ICSL or reported in the Human Gene Mutation Database (HGMD: prior to June 1st, 2018), and was therefore a candidate for classification through an automated scoring system. Utilizing variant allele frequency, disease prevalence and penetrance estimates, and inheritance mode, an automated score was calculated to assess if this variant is too frequent to cause the disease. Based on the score and internal cut-off values, a variant classified as benign is not then subjected to further curation. The score for this variant resulted in a classification of benign for this disease.

Breakthrough Genomics
Classification: Benign. Review status: criteria provided, single submitter. Criteria: ACMG Guidelines, 2015. Collection method: not provided. Allele origin: germline. Inheritance: Autosomal recessive inheritance. Affected: yes.